The following is an entry in ClinVar:

NM_003265.3(TLR3):c.1A>G (p.Met1Val)

Gene: TLR3 (toll like receptor 3; plus strand). Cytogenetic location: 4q35.1.
Variant type: single nucleotide variant.
Coding change: c.1A>G on transcript NM_003265.3 (MANE Select); coding-DNA position 1, A replaced by G.
Protein change: p.Met1Val; changes the start codon (methionine 1).
Molecular consequence: missense variant, initiator codon variant.
Genome position (GRCh38, 1-based): chr4:186,076,620, A>G. VCF-style: chr4-186076620-A-G. GRCh37 (hg19) VCF-style: chr4-186997774-A-G.
Other names: short protein forms M1V.
Identifiers: ClinVar variation 2988880 (VCV002988880.3), dbSNP rs776400293, ClinGen allele CA3161136.

ClinVar aggregate classification (germline): Uncertain significance (1 of 4 stars; one submission).

Conditions:
Encephalopathy, acute, infection-induced (herpes-specific), susceptibility to, 1. Also called: Herpes simplex encephalitis, susceptibility to, 1. Identifiers: Orphanet 1930, MedGen C2750180, MONDO:0024563, OMIM 610551.

Allele frequency attached by ClinVar (database versions not stated): ExAC 0.00001; gnomAD 0.00001; gnomAD exomes 0.00001; TOPMed 0.00001.

Submission:

Labcorp Genetics (formerly Invitae), Labcorp
Classification: Uncertain significance for Encephalopathy, acute, infection-induced (herpes-specific), susceptibility to, 1. Last evaluated: 2024-06-10. Review status: criteria provided, single submitter. Criteria: Invitae Variant Classification Sherloc (09022015). Collection method: clinical testing. Allele origin: germline.
Comment: This sequence change affects the initiator methionine of the TLR3 mRNA. The next in-frame methionine is located at codon 19. This variant is present in population databases (rs776400293, gnomAD 0.002%). This variant has not been reported in the literature in individuals affected with TLR3-related conditions. Experimental studies and prediction algorithms are not available or were not evaluated, and the functional significance of this variant is currently unknown. In summary, the available evidence is currently insufficient to determine the role of this variant in disease. Therefore, it has been classified as a Variant of Uncertain Significance.